The following is an entry in ClinVar:

ClinVar aggregate classification (germline): Uncertain significance (1 of 4 stars; one submission).

Allele frequency attached by ClinVar (database versions not stated): gnomAD exomes 0.00001; TOPMed 0.00001; gnomAD 0.00004; ExAC 0.00005; 1000 Genomes Project 30x 0.00016; 1000 Genomes Project 0.00020.
gnomAD v4.1: 22 of 1,549,112 alleles (0.0014%); highest among the groups gnomAD compares: Admixed American, 0.0059%; no homozygotes.

Submission:

Labcorp Genetics (formerly Invitae), Labcorp
Classification: Uncertain significance. Last evaluated: 2025-08-26. Review status: criteria provided, single submitter. Criteria: Invitae Variant Classification Sherloc (09022015). Collection method: clinical testing. Allele origin: germline.
Comment: This sequence change replaces proline, which is neutral and non-polar, with leucine, which is neutral and non-polar, at codon 383 of the COL4A2 protein (p.Pro383Leu). This variant is present in population databases (rs536453426, gnomAD 0.008%). This missense change has been observed in individual(s) with infantile epileptic spasms (PMID: 39006838). ClinVar contains an entry for this variant (Variation ID: 2164620). Invitae Evidence Modeling of protein sequence and biophysical properties (such as structural, functional, and spatial information, amino acid conservation, physicochemical variation, residue mobility, and thermodynamic stability) indicates that this missense variant is not expected to disrupt COL4A2 protein function with a negative predictive value of 95%. In summary, the available evidence is currently insufficient to determine the role of this variant in disease. Therefore, it has been classified as a Variant of Uncertain Significance.

Literature cited by the submitters: PubMed 39006838.

NM_001846.4(COL4A2):c.1148C>T (p.Pro383Leu)

Gene: COL4A2 (collagen type IV alpha 2 chain; plus strand). Cytogenetic location: 13q34.
Variant type: single nucleotide variant.
Coding change: c.1148C>T on transcript NM_001846.4 (MANE Select); coding-DNA position 1148, C replaced by T.
Protein change: p.Pro383Leu; replaces proline 383 with leucine.
Molecular consequence: missense variant.
Genome position (GRCh38, 1-based): chr13:110,449,748, C>T. VCF-style: chr13-110449748-C-T. GRCh37 (hg19) VCF-style: chr13-111102095-C-T.
Other names: short protein forms P383L.
Identifiers: ClinVar variation 2164620 (VCV002164620.4), dbSNP rs536453426, ClinGen allele CA7049320.